The following is an entry in ClinVar:

NM_017934.7(PHIP):c.3656+1236_3656+1239del

Genes: IRAK1BP1 (interleukin 1 receptor associated kinase 1 binding protein 1; plus strand), PHIP (PHIP subunit of CUL4-Ring ligase complex; minus strand). Cytogenetic location: 6q14.1.
Variant type: Deletion.
Coding change: c.3656+1236_3656+1239del on transcript NM_017934.7 (MANE Select); bases 1236 to 1239 of the intron after coding-DNA position 3656, 4 bases deleted (AAAA; older notation c.3656+1236_3656+1239delAAAA).
Molecular consequence: intron variant.
Genome position (GRCh38, 1-based): chr6:78,960,451-78,960,454, TTTT deleted on the plus strand (AAAA on the coding strand, the reverse complement: PHIP is on the minus strand); deleting any 4 consecutive bases within chr6:78,960,451-78,960,466 gives the same sequence; the c. name uses the placement nearest the transcript's 3' end. VCF-style (leftmost placement, unchanged base first): chr6-78960450-CTTTT-C. GRCh37 (hg19) VCF-style: chr6-79670167-CTTTT-C.
Identifiers: ClinVar variation 3031131 (VCV003031131.2), dbSNP rs1208567579, ClinGen allele CA1090912813.

ClinVar aggregate classification (germline): Likely benign (0 of 4 stars; one submission).

Conditions:
PHIP-related disorder. Also called: PHIP-related condition; PHIP-related disorders.

Submission:

PreventionGenetics, part of Exact Sciences
Classification: Likely benign for PHIP-related condition. Last evaluated: 2021-09-21. Review status: no assertion criteria provided. Collection method: clinical testing. Allele origin: germline.
Comment: This variant is classified as likely benign based on ACMG/AMP sequence variant interpretation guidelines (Richards et al. 2015 PMID: 25741868, with internal and published modifications).